The following is an entry in ClinVar:

NM_001453.3(FOXC1):c.736_759del (p.Leu246_Ala253del)

Gene: FOXC1 (forkhead box C1; plus strand). Cytogenetic location: 6p25.3.
Variant type: Deletion.
Coding change: c.736_759del on transcript NM_001453.3 (MANE Select); coding-DNA positions 736 to 759, 24 bases deleted (CTGGGCAGCGGCAGCGCCGCCGCG).
Protein change: p.Leu246_Ala253del.
Molecular consequence: inframe deletion.
Genome position (GRCh38, 1-based): chr6:1,611,181-1,611,204, CTGGGCAGCGGCAGCGCCGCCGCG deleted. VCF-style (leftmost placement, unchanged base first): chr6-1611180-CCTGGGCAGCGGCAGCGCCGCCGCG-C. GRCh37 (hg19) VCF-style: chr6-1611415-CCTGGGCAGCGGCAGCGCCGCCGCG-C.
Identifiers: ClinVar variation 2153402 (VCV002153402.5), dbSNP rs1226252599, ClinGen allele CA565356211.

ClinVar aggregate classification (germline): Uncertain significance. Review status: criteria provided, multiple submitters, no conflicts (2 of 4 stars). 2 submissions from 2 submitters: Uncertain significance (2). Last evaluated 2024-05-30.

Conditions:
Anterior segment dysgenesis 3 (ASGD3). Also called: Glaucoma iridogoniodysplasia, familial; IRIDOGONIODYSGENESIS ANOMALY, AUTOSOMAL DOMINANT. Identifiers: Orphanet 91483, MedGen C5975707, MONDO:0024456, OMIM 601631.
Axenfeld-Rieger syndrome type 3 (RIEG3). Also called: AXENFELD-RIEGER ANOMALY WITH CARDIAC DEFECTS AND/OR SENSORINEURAL HEARING LOSS. Identifiers: Orphanet 782, MedGen C2678503, MONDO:0011233, OMIM 602482.

Allele frequency attached by ClinVar (database versions not stated): gnomAD 0.00001; gnomAD exomes 0.00001; TOPMed 0.00003.

Submissions (2):

Fulgent Genetics
Classification: Uncertain significance for Anterior segment dysgenesis 3; Axenfeld-Rieger syndrome type 3. Last evaluated: 2024-05-30. Review status: criteria provided, single submitter. Criteria: ACMG Guidelines, 2015. Collection method: clinical testing. Allele origin: germline.

Labcorp Genetics (formerly Invitae), Labcorp
Classification: Uncertain significance for Axenfeld-Rieger syndrome type 3. Last evaluated: 2023-10-05. Review status: criteria provided, single submitter. Criteria: Invitae Variant Classification Sherloc (09022015). Collection method: clinical testing. Allele origin: germline.
Comment: This variant, c.736_759del, results in the deletion of 8 amino acid(s) of the FOXC1 protein (p.Leu246_Ala253del), but otherwise preserves the integrity of the reading frame. This variant is present in population databases (no rsID available, gnomAD 0.005%). This variant has not been reported in the literature in individuals affected with FOXC1-related conditions. ClinVar contains an entry for this variant (Variation ID: 2153402). Experimental studies and prediction algorithms are not available or were not evaluated, and the functional significance of this variant is currently unknown. In summary, the available evidence is currently insufficient to determine the role of this variant in disease. Therefore, it has been classified as a Variant of Uncertain Significance.